The following is an entry in ClinVar:

ClinVar aggregate classification (germline): Uncertain significance (1 of 4 stars; one submission).

Conditions:
Ehlers-Danlos syndrome, classic type, 1 (EDSCL1). Also called: EHLERS-DANLOS SYNDROME, GRAVIS TYPE; EHLERS-DANLOS SYNDROME, SEVERE CLASSIC TYPE; Ehlers-Danlos syndrome, type 1; Ehlers-Danlos Syndrome, Classic Type, COL5A1-Related; EDS I. Identifiers: MedGen C0268335, MONDO:0019567, OMIM 130000.

gnomAD v4.1: 2 of 1,613,870 alleles (0.00012%); highest among the groups gnomAD compares: East Asian, 0.0022%; no homozygotes.

Submission:

Labcorp Genetics (formerly Invitae), Labcorp
Classification: Uncertain significance for Ehlers-Danlos syndrome, classic type, 1. Last evaluated: 2024-03-04. Review status: criteria provided, single submitter. Criteria: Invitae Variant Classification Sherloc (09022015). Collection method: clinical testing. Allele origin: germline.
Comment: This sequence change replaces alanine, which is neutral and non-polar, with threonine, which is neutral and polar, at codon 1428 of the COL5A2 protein (p.Ala1428Thr). This variant is not present in population databases (gnomAD no frequency). This variant has not been reported in the literature in individuals affected with COL5A2-related conditions. Advanced modeling of protein sequence and biophysical properties (such as structural, functional, and spatial information, amino acid conservation, physicochemical variation, residue mobility, and thermodynamic stability) performed at Invitae indicates that this missense variant is not expected to disrupt COL5A2 protein function with a negative predictive value of 80%. In summary, the available evidence is currently insufficient to determine the role of this variant in disease. Therefore, it has been classified as a Variant of Uncertain Significance.

NM_000393.5(COL5A2):c.4282G>A (p.Ala1428Thr)

Gene: COL5A2 (collagen type V alpha 2 chain; minus strand). Cytogenetic location: 2q32.2.
Variant type: single nucleotide variant.
Coding change: c.4282G>A on transcript NM_000393.5 (MANE Select); coding-DNA position 4282, G replaced by A.
Protein change: p.Ala1428Thr; replaces alanine 1428 with threonine.
Molecular consequence: missense variant.
Genome position (GRCh38, 1-based): chr2:189,034,987, C>T on the plus strand (G>A on the coding strand, the complement: COL5A2 is on the minus strand). VCF-style: chr2-189034987-C-T. GRCh37 (hg19) VCF-style: chr2-189899713-C-T.
Other names: short protein forms A1428T.
Identifiers: ClinVar variation 3630156 (VCV003630156.2).
Genomic context (GRCh38, chr2:189,034,987, plus strand): 5'-CTTGAAGAACGATATACCGGAATCTAATATTTCCCTCTGCTTTGATATCTAAGTCATTTG[C>T]CCCTTTGAGAACCACAGCTTTTTTGAGGTTCTTAGCTTGATCGTCCATGTATCCTACACT-3'
Protein context (NP_000384.2, residues 1418-1438): NLKKAVVLKG[Ala1428Thr]NDLDIKAEGN